The following is an entry in ClinVar:

ClinVar aggregate classification (germline): Pathogenic (0 of 4 stars; one submission).

Submission:

GenMed Metabolism Lab
Classification: Pathogenic. Review status: no assertion criteria provided. Collection method: not provided. Allele origin: unknown.
ClinVar note: Converted during submission from pathogenic to Pathogenic.

NM_000531.6(OTC):c.809A>C (p.Gln270Pro)

Gene: OTC (ornithine transcarbamylase; plus strand). Cytogenetic location: Xp11.4.
Variant type: single nucleotide variant.
Coding change: c.809A>C on transcript NM_000531.6 (MANE Select); coding-DNA position 809, A replaced by C.
Protein change: p.Gln270Pro; replaces glutamine 270 with proline.
Molecular consequence: missense variant.
Genome position (GRCh38, 1-based): chrX:38,408,967, A>C. VCF-style: chrX-38408967-A-C. GRCh37 (hg19) VCF-style: chrX-38268220-A-C.
Other names: short protein forms Q270P.
Identifiers: ClinVar variation 97336 (VCV000097336.2), dbSNP rs1800328, ClinGen allele CA224803.
Genomic context (GRCh38, chrX:38,408,967, plus strand): 5'-CATTGGAAGCAGCGCATGGAGGCAATGTATTAATTACAGACACTTGGATAAGCATGGGAC[A>C]AGAAGAGGAGAAGAAAAAGCGGCTCCAGGCTTTCCAAGGTTACCAGGTTACAATGAAGGT-3'
Protein context (NP_000522.3, residues 260-280): LITDTWISMG[Gln270Pro]EEEKKKRLQA